The following is an entry in ClinVar:

NM_152419.3(HGSNAT):c.118G>C (p.Asp40His)

Genes: HGSNAT (heparan-alpha-glucosaminide N-acetyltransferase; plus strand), LOC130000316 (ATAC-STARR-seq lymphoblastoid silent region 19164; plus strand). Cytogenetic location: 8p11.21.
Variant type: single nucleotide variant.
Coding change: c.118G>C on transcript NM_152419.3 (MANE Select); coding-DNA position 118, G replaced by C.
Protein change: p.Asp40His; replaces aspartic acid 40 with histidine.
Molecular consequence: missense variant. On other transcripts: 5 prime UTR variant (1).
Genome position (GRCh38, 1-based): chr8:43,140,614, G>C. VCF-style: chr8-43140614-G-C. GRCh37 (hg19) VCF-style: chr8-42995757-G-C.
Other names: c.118G>C, p.Asp40His (NM_001363227.2, NM_001363228.2); c.-716G>C (NM_001363229.2); short protein forms D40H.
Identifiers: ClinVar variation 4782563 (VCV004782563.1).

ClinVar aggregate classification (germline): Uncertain significance (1 of 4 stars; one submission).

Conditions:
Retinitis pigmentosa 73 (RP73). Identifiers: Orphanet 791, MedGen C4225287, MONDO:0014687, OMIM 616544.
Mucopolysaccharidosis, MPS-III-C (MPS3C). Also called: MPS IIIC (Sanfilippo Syndrome Type C); SANFILIPPO SYNDROME C; MPS III C; Mucopolysaccharidosis type IIIC (Sanfilippo C); MUCOPOLYSACCHARIDOSIS, TYPE IIIC; mucopolysaccharidosis type 3C. Identifiers: Orphanet 581, Orphanet 79271, MedGen C0086649, MONDO:0009657, OMIM 252930.

gnomAD v4.1: 3 of 1,237,170 alleles (0.00024%); highest among the groups gnomAD compares: Non-Finnish European, 0.00031%; no homozygotes.

Submission:

Labcorp Genetics (formerly Invitae), Labcorp
Classification: Uncertain significance for Retinitis pigmentosa 73; Mucopolysaccharidosis, MPS-III-C. Last evaluated: 2025-12-18. Review status: criteria provided, single submitter. Criteria: Invitae Variant Classification Sherloc (09022015). Collection method: clinical testing. Allele origin: germline.
Comment: This sequence change replaces aspartic acid, which is acidic and polar, with histidine, which is basic and polar, at codon 40 of the HGSNAT protein (p.Asp40His). This variant also falls at the last nucleotide of exon 1, which is part of the consensus splice site for this exon. This variant is present in population databases (no rsID available, gnomAD 0.007%). This missense change has been observed in individual(s) with retinitis pigmentosa (internal data). An algorithm developed to predict the effect of missense changes on protein structure and function (PolyPhen-2) suggests that this variant is likely to be tolerated. Variants that disrupt the consensus splice site are a relatively common cause of aberrant splicing (PMID: 17576681, 9536098). Algorithms developed to predict the effect of sequence changes on RNA splicing suggest that this variant may disrupt the consensus splice site. This variant disrupts the p.Asp40 amino acid residue in HGSNAT. Other variant(s) that disrupt this residue have been observed in individuals with HGSNAT-related conditions (PMID: 37592806; internal data), which suggests that this may be a clinically significant amino acid residue. In summary, the available evidence is currently insufficient to determine the role of this variant in disease. Therefore, it has been classified as a Variant of Uncertain Significance.

Literature cited by the submitters: PubMed 17576681; PubMed 9536098; PubMed 37592806.